The following is an entry in ClinVar:

ClinVar aggregate classification (germline): Uncertain significance (1 of 4 stars; one submission).

Submission:

Labcorp Genetics (formerly Invitae), Labcorp
Classification: Uncertain significance. Last evaluated: 2024-10-15. Review status: criteria provided, single submitter. Criteria: Invitae Variant Classification Sherloc (09022015). Collection method: clinical testing. Allele origin: germline.
Comment: This sequence change replaces leucine, which is neutral and non-polar, with histidine, which is basic and polar, at codon 2079 of the ABCA4 protein (p.Leu2079His). This variant is not present in population databases (gnomAD no frequency). This missense change has been observed in individual(s) with cone rode dystrophy (internal data). ClinVar contains an entry for this variant (Variation ID: 1414532). Invitae Evidence Modeling of protein sequence and biophysical properties (such as structural, functional, and spatial information, amino acid conservation, physicochemical variation, residue mobility, and thermodynamic stability) indicates that this missense variant is expected to disrupt ABCA4 protein function with a positive predictive value of 95%. In summary, the available evidence is currently insufficient to determine the role of this variant in disease. Therefore, it has been classified as a Variant of Uncertain Significance.

NM_000350.3(ABCA4):c.6236T>A (p.Leu2079His)

Gene: ABCA4 (ATP binding cassette subfamily A member 4; minus strand). Cytogenetic location: 1p22.1.
Variant type: single nucleotide variant.
Coding change: c.6236T>A on transcript NM_000350.3 (MANE Select); coding-DNA position 6236, T replaced by A.
Protein change: p.Leu2079His; replaces leucine 2079 with histidine.
Molecular consequence: missense variant.
Genome position (GRCh38, 1-based): chr1:94,001,904, A>T on the plus strand (T>A on the coding strand, the complement: ABCA4 is on the minus strand). VCF-style: chr1-94001904-A-T. GRCh37 (hg19) VCF-style: chr1-94467460-A-T.
Other names: c.6014T>A, p.Leu2005His (NM_001425324.1); short protein forms L2079H, L2005H.
Identifiers: ClinVar variation 1414532 (VCV001414532.6), dbSNP rs2100995477, ClinGen allele CA341278222.